The following is an entry in ClinVar:

ClinVar aggregate classification (germline): Uncertain significance (1 of 4 stars; one submission).

Conditions:
Hereditary cancer-predisposing syndrome. Also called: Hereditary Cancer Syndrome; Neoplastic Syndromes, Hereditary; Tumor predisposition; Hereditary neoplastic syndrome. Identifiers: Orphanet 140162, MedGen C0027672, MeSH D009386, MONDO:0015356.

Submission:

Ambry Genetics
Classification: Uncertain significance for Hereditary cancer-predisposing syndrome. Last evaluated: 2026-09-11. Review status: criteria provided, single submitter. Criteria: Ambry Variant Classification Scheme 2023. Collection method: clinical testing. Allele origin: germline.
Comment: The p.G30A variant (also known as c.89G>C), located in coding exon 1 of the ALK gene, results from a G to C substitution at nucleotide position 89. The glycine at codon 30 is replaced by alanine, an amino acid with similar properties. This amino acid position is conserved. In addition, this alteration is predicted to be tolerated by in silico analysis. Based on the available evidence, the clinical significance of this variant remains unclear.

NM_004304.5(ALK):c.89G>C (p.Gly30Ala)

Gene: ALK (ALK receptor tyrosine kinase; minus strand). Cytogenetic location: 2p23.1.
Variant type: single nucleotide variant.
Coding change: c.89G>C on transcript NM_004304.5 (MANE Select); coding-DNA position 89, G replaced by C.
Protein change: p.Gly30Ala; replaces glycine 30 with alanine.
Molecular consequence: missense variant.
Genome position (GRCh38, 1-based): chr2:29,920,571, C>G on the plus strand (G>C on the coding strand, the complement: ALK is on the minus strand). VCF-style: chr2-29920571-C-G. GRCh37 (hg19) VCF-style: chr2-30143437-C-G.
Other names: short protein forms G30A.
Identifiers: ClinVar variation 5035695 (VCV005035695.1).